The following is an entry in ClinVar:

NM_031935.3(HMCN1):c.15531T>C (p.Cys5177=)

Gene: HMCN1 (hemicentin 1; plus strand). Cytogenetic location: 1q31.1.
Variant type: single nucleotide variant.
Coding change: c.15531T>C on transcript NM_031935.3 (MANE Select); coding-DNA position 15531, T replaced by C.
Protein change: p.Cys5177=; no amino-acid change (cysteine 5177 retained).
Molecular consequence: synonymous variant.
Genome position (GRCh38, 1-based): chr1:186,166,899, T>C. VCF-style: chr1-186166899-T-C. GRCh37 (hg19) VCF-style: chr1-186136031-T-C.
Identifiers: ClinVar variation 294295 (VCV000294295.16), dbSNP rs16824983, ClinGen allele CA1295288.

ClinVar aggregate classification (germline): Benign. Review status: criteria provided, multiple submitters, no conflicts (2 of 4 stars). 4 submissions from 4 submitters: Benign (4). Last evaluated 2026-02-01.

Conditions:
Age related macular degeneration 1 (ARMD1). Also called: MACULOPATHY, AGE-RELATED, 1. Identifiers: MedGen C1864205, MONDO:0011285, OMIM 603075.

Allele frequency attached by ClinVar (database versions not stated): gnomAD exomes 0.00293; ExAC 0.00377; gnomAD 0.01132 and 0.01216; TOPMed 0.01283; 1000 Genomes Project 30x 0.01312; ESP Exome Variant Server 0.01353; 1000 Genomes Project 0.01358.
gnomAD v4.1: 3,396 of 1,614,164 alleles (0.21%); highest among the groups gnomAD compares: African/African-American, 4.1%; 64 homozygotes.

Submissions (4):

Labcorp Genetics (formerly Invitae), Labcorp
Classification: Benign. Last evaluated: 2026-02-01. Review status: criteria provided, single submitter. Criteria: Invitae Variant Classification Sherloc (09022015). Collection method: clinical testing. Allele origin: germline.

Genome-Nilou Lab
Classification: Benign for Age related macular degeneration 1. Last evaluated: 2023-04-11. Review status: criteria provided, single submitter. Criteria: ACMG Guidelines, 2015. Collection method: clinical testing. Allele origin: germline. Affected: no.

Illumina Laboratory Services, Illumina
Classification: Benign for Age related macular degeneration 1. Last evaluated: 2018-01-13. Review status: criteria provided, single submitter. Criteria: ICSL Variant Classification Criteria 13 December 2019. Collection method: clinical testing. Allele origin: germline.
Comment: This variant was observed in the ICSL laboratory as part of a predisposition screen in an ostensibly healthy population. It had not been previously curated by ICSL or reported in the Human Gene Mutation Database (HGMD: prior to June 1st, 2018), and was therefore a candidate for classification through an automated scoring system. Utilizing variant allele frequency, disease prevalence and penetrance estimates, and inheritance mode, an automated score was calculated to assess if this variant is too frequent to cause the disease. Based on the score and internal cut-off values, a variant classified as benign is not then subjected to further curation. The score for this variant resulted in a classification of benign for this disease.

Breakthrough Genomics
Classification: Benign. Review status: criteria provided, single submitter. Criteria: ACMG Guidelines, 2015. Collection method: not provided. Allele origin: germline. Inheritance: Autosomal dominant inheritance. Affected: yes.